The following is an entry in ClinVar:

ClinVar aggregate classification (germline): Uncertain significance (1 of 4 stars; one submission).

Submission:

GeneDx
Classification: Uncertain significance. Last evaluated: 2025-10-16. Review status: criteria provided, single submitter. Criteria: GeneDx Variant Classification Process June 2021. Collection method: clinical testing. Allele origin: germline.
Comment: Not observed at significant frequency in large population cohorts (gnomAD); Nonsense variant predicted to result in protein truncation or nonsense mediated decay in a gene or region of a gene for which loss of function is not a well-established mechanism of disease; Has not been previously published as pathogenic or benign to our knowledge

NM_031407.7(HUWE1):c.11365C>T (p.Gln3789Ter)

Gene: HUWE1 (HECT, UBA and WWE domain containing E3 ubiquitin protein ligase 1; minus strand). Cytogenetic location: Xp11.22.
Variant type: single nucleotide variant.
Coding change: c.11365C>T on transcript NM_031407.7 (MANE Select); coding-DNA position 11365, C replaced by T.
Protein change: p.Gln3789Ter; replaces glutamine 3789 with a stop codon.
Molecular consequence: nonsense.
Genome position (GRCh38, 1-based): chrX:53,543,855, G>A on the plus strand (C>T on the coding strand, the complement: HUWE1 is on the minus strand). VCF-style: chrX-53543855-G-A. GRCh37 (hg19) VCF-style: chrX-53570816-G-A.
Other names: short protein forms Q3789*.
Identifiers: ClinVar variation 3361534 (VCV003361534.2).